The following is an entry in ClinVar:

ClinVar aggregate classification (germline): Pathogenic (1 of 4 stars; one submission).

Conditions:
Carnitine palmitoyl transferase 1A deficiency. Also called: CPT deficiency, hepatic, type IA; Carnitine palmitoyltransferase type I deficiency; CPT I DEFICIENCY; CPT DEFICIENCY, HEPATIC, TYPE I; Carnitine palmitoyltransferase 1A deficiency. Identifiers: Orphanet 156, MedGen C1829703, MONDO:0009705, OMIM 255120.

Submission:

Myriad Genetics, Inc.
Classification: Pathogenic for Carnitine palmitoyl transferase 1A deficiency. Last evaluated: 2024-07-25. Review status: criteria provided, single submitter. Criteria: Myriad Autosomal Dominant, Autosomal Recessive and X-Linked Classification Criteria (2023). Collection method: clinical testing. Allele origin: unknown.
Comment: NM_001876.3(CPT1A):c.2026G>T(E676*) is expected to be pathogenic in the context of carnitine palmitoyltransferase IA deficiency. This variant is predicted to lead to an abnormal or absent protein product due to the creation of a premature termination codon in CPT1A, a gene where loss-of-function variants are known to be pathogenic. Please note: this variant was assessed in the context of healthy population screening.

NM_001876.4(CPT1A):c.2026G>T (p.Glu676Ter)

Gene: CPT1A (carnitine palmitoyltransferase 1A; minus strand). Cytogenetic location: 11q13.3.
Variant type: single nucleotide variant.
Coding change: c.2026G>T on transcript NM_001876.4 (MANE Select); coding-DNA position 2026, G replaced by T.
Protein change: p.Glu676Ter; replaces glutamic acid 676 with a stop codon.
Molecular consequence: nonsense. On other transcripts: intron variant (1).
Genome position (GRCh38, 1-based): chr11:68,761,537, C>A on the plus strand (G>T on the coding strand, the complement: CPT1A is on the minus strand). VCF-style: chr11-68761537-C-A. GRCh37 (hg19) VCF-style: chr11-68529005-C-A.
Other names: c.2026G>T, p.Glu676Ter (NM_001031847.3, NM_001440358.1, NM_001440359.1 and 2 more transcripts); c.1918G>T, p.Glu640Ter (NM_001440363.1); c.1840G>T, p.Glu614Ter (NM_001440365.1); c.1875+1090G>T (NM_001440364.1); short protein forms E614*, E640*, E676*.
Identifiers: ClinVar variation 5013363 (VCV005013363.1).
Genomic context (GRCh38, chr11:68,761,537, plus strand): 5'-AATTTACTAAGTTTTGGTCTAGCCAATACAACTGACGGAAGAAGTGGAAGAGACTTACTT[C>A]CTTAAGGAAAGGGGACTCCACAGCGAGATATTTAGACACCACGTAAAGGCAGAAGAGGTG-3'